The following is an entry in ClinVar:

NM_000038.6(APC):c.6441_6445delinsTG (p.Phe2148_His2149delinsAsp)

Gene: APC (APC regulator of Wnt signaling pathway; plus strand). Cytogenetic location: 5q22.2.
Variant type: Indel.
Coding change: c.6441_6445delinsTG on transcript NM_000038.6 (MANE Select); coding-DNA positions 6441 to 6445, ATTTC replaced by TG.
Protein change: p.Phe2148_His2149delinsAsp.
Molecular consequence: inframe indel. On other transcripts: non-coding transcript variant (2).
Genome position (GRCh38, 1-based): chr5:112,842,035-112,842,039, ATTTC replaced by TG. VCF-style: chr5-112842035-ATTTC-TG. GRCh37 (hg19) VCF-style: chr5-112177732-ATTTC-TG.
Other names: c.6441_6445delinsTG, p.Phe2148_His2149delinsAsp (NM_001127510.3, NM_001354895.2, NM_001407450.1); c.6387_6391delinsTG, p.Phe2130_His2131delinsAsp (NM_001127511.3); c.6495_6499delinsTG, p.Phe2166_His2167delinsAsp (NM_001354896.2, NM_001407447.1, NM_001407448.1 and 1 more transcripts); c.6471_6475delinsTG, p.Phe2158_His2159delinsAsp (NM_001354897.2); c.6366_6370delinsTG, p.Phe2123_His2124delinsAsp (NM_001354898.2); c.6357_6361delinsTG, p.Phe2120_His2121delinsAsp (NM_001354899.2); c.6318_6322delinsTG, p.Phe2107_His2108delinsAsp (NM_001354900.2); c.6264_6268delinsTG, p.Phe2089_His2090delinsAsp (NM_001354901.2, NM_001407453.1); and 11 more.
Identifiers: ClinVar variation 3304575 (VCV003304575.1).

ClinVar aggregate classification (germline): Uncertain significance (1 of 4 stars; one submission).

Conditions:
Hereditary cancer-predisposing syndrome. Also called: Tumor predisposition; Hereditary Cancer Syndrome; Hereditary neoplastic syndrome; Neoplastic Syndromes, Hereditary. Identifiers: Orphanet 140162, MedGen C0027672, MeSH D009386, MONDO:0015356.

Submission:

Ambry Genetics
Classification: Uncertain significance for Hereditary cancer-predisposing syndrome. Last evaluated: 2024-04-25. Review status: criteria provided, single submitter. Criteria: Ambry Variant Classification Scheme 2023. Collection method: clinical testing. Allele origin: germline.
Comment: The c.6441_6445delATTTCinsTG variant (also known as p.F2148_H2149delinsD), located in coding exon 15 of the APC gene, results from an in-frame deletion of ATTTC and insertion of TG at nucleotide positions 6441 to 6445. This results in the substitution of phenylalanine and histidine residues for a aspartate residue at codon 2148 and 2149. This amino acid region is well conserved in available vertebrate species. In addition, the in silico prediction for this alteration is inconclusive (Choi Y et al. PLoS ONE. 2012; 7(10):e46688). Based on the available evidence, the clinical significance of this variant remains unclear.